The following is an entry in ClinVar:

NM_001008537.3(NEXMIF):c.4120C>G (p.Pro1374Ala)

Gene: NEXMIF (neurite extension and migration factor; minus strand). Cytogenetic location: Xq13.3.
Variant type: single nucleotide variant.
Coding change: c.4120C>G on transcript NM_001008537.3 (MANE Select); coding-DNA position 4120, C replaced by G.
Protein change: p.Pro1374Ala; replaces proline 1374 with alanine.
Molecular consequence: missense variant.
Genome position (GRCh38, 1-based): chrX:74,740,437, G>C on the plus strand (C>G on the coding strand, the complement: NEXMIF is on the minus strand). VCF-style: chrX-74740437-G-C. GRCh37 (hg19) VCF-style: chrX-73960272-G-C.
Other names: short protein forms P1374A.
Identifiers: ClinVar variation 2199311 (VCV002199311.4), dbSNP rs2519911263, ClinGen allele CA413663986.

ClinVar aggregate classification (germline): Uncertain significance (1 of 4 stars; one submission).

Submission:

Labcorp Genetics (formerly Invitae), Labcorp
Classification: Uncertain significance. Last evaluated: 2025-06-22. Review status: criteria provided, single submitter. Criteria: Invitae Variant Classification Sherloc (09022015). Collection method: clinical testing. Allele origin: germline.
Comment: This sequence change replaces proline, which is neutral and non-polar, with alanine, which is neutral and non-polar, at codon 1374 of the NEXMIF protein (p.Pro1374Ala). This variant is not present in population databases (gnomAD no frequency). This variant has not been reported in the literature in individuals affected with NEXMIF-related conditions. ClinVar contains an entry for this variant (Variation ID: 2199311). An algorithm developed to predict the effect of missense changes on protein structure and function (PolyPhen-2) suggests that this variant is likely to be tolerated. In summary, the available evidence is currently insufficient to determine the role of this variant in disease. Therefore, it has been classified as a Variant of Uncertain Significance.